The following is an entry in ClinVar:

ClinVar aggregate classification (germline): Likely benign (0 of 4 stars; one submission).

Conditions:
COL15A1-related disorder. Also called: COL15A1-related condition.

Allele frequency attached by ClinVar (database versions not stated): ExAC 0.00013; 1000 Genomes Project 30x 0.00016; 1000 Genomes Project 0.00020; gnomAD 0.00037; ESP Exome Variant Server 0.00038; TOPMed 0.00048.
gnomAD v4.1: 127 of 1,614,202 alleles (0.0079%); highest among the groups gnomAD compares: African/African-American, 0.15%; no homozygotes.

Submission:

PreventionGenetics, part of Exact Sciences
Classification: Likely benign for COL15A1-related condition. Last evaluated: 2019-06-18. Review status: no assertion criteria provided. Collection method: clinical testing. Allele origin: germline.
Comment: This variant is classified as likely benign based on ACMG/AMP sequence variant interpretation guidelines (Richards et al. 2015 PMID: 25741868, with internal and published modifications).

NM_001855.5(COL15A1):c.273C>T (p.Phe91=)

Gene: COL15A1 (collagen type XV alpha 1 chain; plus strand). Cytogenetic location: 9q22.33.
Variant type: single nucleotide variant.
Coding change: c.273C>T on transcript NM_001855.5 (MANE Select); coding-DNA position 273, C replaced by T.
Protein change: p.Phe91=; no amino-acid change (phenylalanine 91 retained).
Molecular consequence: synonymous variant.
Genome position (GRCh38, 1-based): chr9:98,985,737, C>T. VCF-style: chr9-98985737-C-T. GRCh37 (hg19) VCF-style: chr9-101748019-C-T.
Identifiers: ClinVar variation 3033343 (VCV003033343.2), dbSNP rs141708640, ClinGen allele CA5154498.
Genomic context (GRCh38, chr9:98,985,737, plus strand): 5'-TGGTGCCAATGTTGGCCGCCCAGCCAGGACTCTCATCCCATCCACCTTCTTCAGGGACTT[C>T]GCCATCAGCGTCGTGGTGAAGCCCAGCAGCACCCGTGGTGGCGTGCTCTTCGCCATCACT-3'
Protein context (NP_001846.3, residues 81-101): TLIPSTFFRD[Phe91=]AISVVVKPSS